The following is an entry in ClinVar:

ClinVar aggregate classification (germline): Likely pathogenic (1 of 4 stars; one submission).

Conditions:
Developmental and epileptic encephalopathy, 2 (DEE2). Also called: INFANTILE SPASM SYNDROME, X-LINKED 2; CDKL5 deficiency disorder. Identifiers: Orphanet 1934, Orphanet 3451, Orphanet 505652, MedGen C4750718, MONDO:0010396, OMIM 300672.

Submission:

Centre for Mendelian Genomics, University Medical Centre Ljubljana
Classification: Likely pathogenic for Developmental and epileptic encephalopathy, 2. Last evaluated: 2026-07-22. Review status: criteria provided, single submitter. Criteria: ACMG Guidelines, 2015. Collection method: clinical testing. Allele origin: germline. Affected: yes. Observed: 1 variant allele.
Comment: The variant c.917dupC has not been previously reported in patients with a similar clinical presentation. Other frameshift variants have been reported as pathogenic in the vicinity of this variant in the ClinVar database (c.907_908insCC, c.906del), indicating the functional relevance of the affected protein domain. Furthermore: (1) the variant is predicted to result in loss of function based on AutoPVS1 analysis [PVS1]; (2) frameshift variants are a known pathogenic mechanism in CDKL5-related disorders; (3) the variant is absent from all control populations in gnomAD [PM2]; and (4) the variant is compatible with the referred clinical presentation. Based on the evidence presented above, we classify the identified variant in CDKL5 as likely pathogenic.

NM_001323289.2(CDKL5):c.917dup (p.Pro307fs)

Gene: CDKL5 (cyclin dependent kinase like 5; plus strand). Cytogenetic location: Xp22.13.
Variant type: Duplication.
Coding change: c.917dup on transcript NM_001323289.2 (MANE Select); coding-DNA position 917, one base duplicated (C; older notation c.917dupC).
Protein change: p.Pro307fs; shifts the reading frame from proline 307.
Molecular consequence: frameshift variant.
Genome position (GRCh38, 1-based): chrX:18,598,553, C duplicated. VCF-style (leftmost placement, unchanged base first): chrX-18598552-T-TC. GRCh37 (hg19) VCF-style: chrX-18616672-T-TC.
Other names: p.Pro307fs; c.917dup, p.Pro307fs (NM_001037343.2, NM_003159.3); short protein forms P307fs.
Identifiers: ClinVar variation 4871909 (VCV004871909.1).
Genomic context (GRCh38, chrX:18,598,552, plus strand): 5'-TACTTGACAGAACAGTGTTTGAATCACCCTACATTTCAAACCCAGAGACTTCTGGATCGT[T>TC]CTCCTTCAAGGTCAGCAAAAAGAAAACCTTACCATGTGGAAAGCAGCACATTGTCTAATA-3'